The following is an entry in ClinVar:

ClinVar aggregate classification (germline): Likely benign (1 of 4 stars; one submission).

Conditions:
PYHIN1-related disorder. Also called: PYHIN1-related condition.

Submissions (2):

PreventionGenetics, part of Exact Sciences
Classification: Likely benign for PYHIN1-related condition. Last evaluated: 2024-11-25. Review status: criteria provided, single submitter. Criteria: ACMG Guidelines, 2015. Collection method: clinical testing. Allele origin: germline.
Comment: This variant is classified as likely benign based on ACMG/AMP sequence variant interpretation guidelines (Richards et al. 2015 PMID: 25741868, with internal and published modifications).

Dr. Peter K. Rogan Lab, Western University
No classification provided (evidence only). Condition: Melanoma. Review status: no classification provided. Collection method: in vitro. Allele origin: not applicable. Functional consequence: retained intron. Not counted in ClinVar's aggregate classification.

NM_152501.5(PYHIN1):c.77A>G (p.Lys26Arg)

Gene: PYHIN1 (pyrin and HIN domain family member 1; plus strand). Cytogenetic location: 1q23.1.
Variant type: single nucleotide variant.
Coding change: c.77A>G on transcript NM_152501.5 (MANE Select); coding-DNA position 77, A replaced by G.
Protein change: p.Lys26Arg; replaces lysine 26 with arginine.
Molecular consequence: missense variant.
Genome position (GRCh38, 1-based): chr1:158,936,987, A>G. VCF-style: chr1-158936987-A-G. GRCh37 (hg19) VCF-style: chr1-158906777-A-G.
Other names: NC_000001.10:g.158906777A>G; c.77A>G (NM_152501.4); c.77A>G, p.Lys26Arg (NM_001410886.1, NM_198928.5, NM_198929.5 and 1 more transcripts); short protein forms K26R.
Identifiers: ClinVar variation 4306380 (VCV004306380.2).